The following is an entry in ClinVar:

NM_001369.3(DNAH5):c.9637del (p.Ala3213fs)

Gene: DNAH5 (dynein axonemal heavy chain 5; minus strand). Cytogenetic location: 5p15.2.
Variant type: Deletion.
Coding change: c.9637del on transcript NM_001369.3 (MANE Select); coding-DNA position 9637, one base deleted (G; older notation c.9637delG).
Protein change: p.Ala3213fs; shifts the reading frame from alanine 3213.
Molecular consequence: frameshift variant.
Genome position (GRCh38, 1-based): chr5:13,769,584, C deleted on the plus strand (G on the coding strand, the reverse complement: DNAH5 is on the minus strand). VCF-style (leftmost placement, unchanged base first): chr5-13769583-GC-G. GRCh37 (hg19) VCF-style: chr5-13769692-GC-G.
Other names: c.9637del (NM_001369.2); c.9637delG (NM_001369.2); short protein forms A3213fs.
Identifiers: ClinVar variation 548647 (VCV000548647.12), dbSNP rs1305797678, ClinGen allele CA557870132.

ClinVar aggregate classification (germline): Pathogenic. Review status: criteria provided, multiple submitters, no conflicts (2 of 4 stars). 4 submissions from 4 submitters: Pathogenic (3). 1 of the submissions does not count toward it. Last evaluated 2024-05-14.

Conditions:
Primary ciliary dyskinesia. Also called: Ciliary dyskinesia. Identifiers: Orphanet 244, MedGen C0008780, MONDO:0016575, HP:0012265.
Primary ciliary dyskinesia 3. Identifiers: Orphanet 244, MedGen C1837618, MONDO:0012085, OMIM 608644.

Allele frequency attached by ClinVar (database versions not stated): gnomAD exomes 0.00001.

Submissions (4):

Myriad Genetics, Inc.
Classification: Pathogenic for Primary ciliary dyskinesia 3. Last evaluated: 2024-05-14. Review status: criteria provided, single submitter. Criteria: Myriad Autosomal Dominant, Autosomal Recessive and X-Linked Classification Criteria (2023). Collection method: clinical testing. Allele origin: unknown.
Comment: NM_001369.2(DNAH5):c.9637delG(A3213Lfs*8) is expected to be pathogenic in the context of primary ciliary dyskinesia, DNAH5-related. This variant is predicted to lead to an abnormal or absent protein product due to the creation of a premature termination codon in DNAH5, a gene where loss-of-function variants are known to be pathogenic. Please note: this variant was assessed in the context of healthy population screening.

Labcorp Genetics (formerly Invitae), Labcorp
Classification: Pathogenic for Primary ciliary dyskinesia. Last evaluated: 2023-06-06. Review status: criteria provided, single submitter. Criteria: Invitae Variant Classification Sherloc (09022015). Collection method: clinical testing. Allele origin: germline.
Comment: This sequence change creates a premature translational stop signal (p.Ala3213Leufs*8) in the DNAH5 gene. It is expected to result in an absent or disrupted protein product. Loss-of-function variants in DNAH5 are known to be pathogenic (PMID: 11788826, 16627867). This variant is present in population databases (no rsID available, gnomAD 0.002%). This premature translational stop signal has been observed in individual(s) with primary ciliary dyskinesia (PMID: 24905662). ClinVar contains an entry for this variant (Variation ID: 548647). For these reasons, this variant has been classified as Pathogenic.

GeneDx
Classification: Pathogenic. Last evaluated: 2023-03-24. Review status: criteria provided, single submitter. Criteria: GeneDx Variant Classification Process June 2021. Collection method: clinical testing. Allele origin: germline. Affected: yes.
Comment: Frameshift variant predicted to result in protein truncation or nonsense mediated decay in a gene for which loss of function is a known mechanism of disease; Not observed at significant frequency in large population cohorts (gnomAD); This variant is associated with the following publications: (PMID: 32111882, 24905662)

Yale Center for Mendelian Genomics, Yale University
Classification: Likely pathogenic for Primary ciliary dyskinesia. Last evaluated: 2014-06-06. Review status: no assertion criteria provided. Collection method: literature only. Allele origin: de novo. Affected: yes. Observed: 1 compound heterozygote. Not counted in ClinVar's aggregate classification.

Literature cited by the submitters: PubMed 11788826 (cited by Labcorp Genetics (formerly Invitae), Labcorp); PubMed 16627867 (cited by Labcorp Genetics (formerly Invitae), Labcorp); PubMed 24905662 (cited by Labcorp Genetics (formerly Invitae), Labcorp and Yale Center for Mendelian Genomics, Yale University).